The following is an entry in ClinVar:

ClinVar aggregate classification (germline): Uncertain significance. Review status: criteria provided, multiple submitters, no conflicts (2 of 4 stars). 2 submissions from 2 submitters: Uncertain significance (2). Last evaluated 2025-08-28.

Conditions:
Inborn genetic diseases. Identifiers: MedGen C0950123, MeSH D030342.

Allele frequency attached by ClinVar (database versions not stated): gnomAD 0.00003; ExAC 0.00005; TOPMed 0.00008; 1000 Genomes Project 30x 0.00047.
gnomAD v4.1: 34 of 1,613,722 alleles (0.0021%); highest among the groups gnomAD compares: East Asian, 0.06%; no homozygotes.

Submissions (2):

Ambry Genetics
Classification: Uncertain significance for Inborn genetic diseases. Last evaluated: 2025-08-28. Review status: criteria provided, single submitter. Criteria: Ambry Variant Classification Scheme 2023. Collection method: clinical testing. Allele origin: germline.

Labcorp Genetics (formerly Invitae), Labcorp
Classification: Uncertain significance. Last evaluated: 2025-06-10. Review status: criteria provided, single submitter. Criteria: Invitae Variant Classification Sherloc (09022015). Collection method: clinical testing. Allele origin: germline.
Comment: This sequence change replaces arginine, which is basic and polar, with cysteine, which is neutral and slightly polar, at codon 4281 of the HSPG2 protein (p.Arg4281Cys). This variant is present in population databases (rs774968589, gnomAD 0.05%). This variant has not been reported in the literature in individuals affected with HSPG2-related conditions. ClinVar contains an entry for this variant (Variation ID: 2054540). An algorithm developed to predict the effect of missense changes on protein structure and function (PolyPhen-2) suggests that this variant is likely to be disruptive. In summary, the available evidence is currently insufficient to determine the role of this variant in disease. Therefore, it has been classified as a Variant of Uncertain Significance.

NM_005529.7(HSPG2):c.12841C>T (p.Arg4281Cys)

Genes: HSPG2 (heparan sulfate proteoglycan 2; minus strand), LDLRAD2 (low density lipoprotein receptor class A domain containing 2; plus strand). Cytogenetic location: 1p36.12.
Variant type: single nucleotide variant.
Coding change: c.12841C>T on transcript NM_005529.7 (MANE Select); coding-DNA position 12841, C replaced by T.
Protein change: p.Arg4281Cys; replaces arginine 4281 with cysteine.
Molecular consequence: missense variant. On other transcripts: 3 prime UTR variant (1).
Genome position (GRCh38, 1-based): chr1:21,824,179, G>A on the plus strand (C>T on the coding strand, the complement: HSPG2 is on the minus strand). VCF-style: chr1-21824179-G-A. GRCh37 (hg19) VCF-style: chr1-22150672-G-A.
Other names: c.12844C>T, p.Arg4282Cys (NM_001291860.2); c.*1964G>A (NM_001013693.3); short protein forms R4282C, R4281C.
Identifiers: ClinVar variation 2054540 (VCV002054540.6), dbSNP rs774968589, ClinGen allele CA669258.